The following is an entry in ClinVar:

NM_005431.2(XRCC2):c.496G>A (p.Val166Met)

Gene: XRCC2 (X-ray repair cross complementing 2; minus strand). Cytogenetic location: 7q36.1.
Variant type: single nucleotide variant.
Coding change: c.496G>A on transcript NM_005431.2 (MANE Select); coding-DNA position 496, G replaced by A.
Protein change: p.Val166Met; replaces valine 166 with methionine.
Molecular consequence: missense variant.
Genome position (GRCh38, 1-based): chr7:152,648,989, C>T on the plus strand (G>A on the coding strand, the complement: XRCC2 is on the minus strand). VCF-style: chr7-152648989-C-T. GRCh37 (hg19) VCF-style: chr7-152346074-C-T.
Other names: short protein forms V166M.
Identifiers: ClinVar variation 2625101 (VCV002625101.3), dbSNP rs2485881184, ClinGen allele CA370198569.

ClinVar aggregate classification (germline): Uncertain significance (1 of 4 stars; one submission).

Conditions:
Hereditary cancer-predisposing syndrome. Also called: Tumor predisposition; Hereditary Cancer Syndrome; Hereditary neoplastic syndrome; Neoplastic Syndromes, Hereditary. Identifiers: Orphanet 140162, MedGen C0027672, MeSH D009386, MONDO:0015356.

Submission:

Ambry Genetics
Classification: Uncertain significance for Hereditary cancer-predisposing syndrome. Last evaluated: 2025-10-23. Review status: criteria provided, single submitter. Criteria: Ambry Variant Classification Scheme 2023. Collection method: clinical testing. Allele origin: germline.
Comment: The p.V166M variant (also known as c.496G>A), located in coding exon 3 of the XRCC2 gene, results from a G to A substitution at nucleotide position 496. The valine at codon 166 is replaced by methionine, an amino acid with highly similar properties. This amino acid position is conserved. In addition, this alteration is predicted to be tolerated by in silico analysis. Since supporting evidence is limited at this time, the clinical significance of this alteration remains unclear.